The following is an entry in ClinVar:

NM_000540.3(RYR1):c.10739C>T (p.Pro3580Leu)

Gene: RYR1 (ryanodine receptor 1; plus strand). Cytogenetic location: 19q13.2.
Variant type: single nucleotide variant.
Coding change: c.10739C>T on transcript NM_000540.3 (MANE Select); coding-DNA position 10739, C replaced by T.
Protein change: p.Pro3580Leu; replaces proline 3580 with leucine.
Molecular consequence: missense variant.
Genome position (GRCh38, 1-based): chr19:38,527,699, C>T. VCF-style: chr19-38527699-C-T. GRCh37 (hg19) VCF-style: chr19-39018339-C-T.
Other names: c.10724C>T, p.Pro3575Leu (NM_001042723.2); short protein forms P3575L, P3580L.
Identifiers: ClinVar variation 2169177 (VCV002169177.4), dbSNP rs752129165, ClinGen allele CA054584.

ClinVar aggregate classification (germline): Uncertain significance (1 of 4 stars; one submission).

Conditions:
RYR1-related disorder. Also called: RYR1-related condition; RYR1-related disorders. Identifiers: MedGen CN239331.

Allele frequency attached by ClinVar (database versions not stated): gnomAD exomes below 0.00001; ExAC 0.00001.
gnomAD v4.1: 7 of 1,614,082 alleles (0.00043%); highest among the groups gnomAD compares: East Asian, 0.0045%; no homozygotes.

Submission:

Labcorp Genetics (formerly Invitae), Labcorp
Classification: Uncertain significance for RYR1-related disorder. Last evaluated: 2024-11-19. Review status: criteria provided, single submitter. Criteria: Invitae Variant Classification Sherloc (09022015). Collection method: clinical testing. Allele origin: germline.
Comment: This sequence change replaces proline, which is neutral and non-polar, with leucine, which is neutral and non-polar, at codon 3580 of the RYR1 protein (p.Pro3580Leu). This variant is present in population databases (rs752129165, gnomAD 0.006%). This missense change has been observed in individual(s) with clinical features of congenital muscular dystrophy (internal data). ClinVar contains an entry for this variant (Variation ID: 2169177). Invitae Evidence Modeling of protein sequence and biophysical properties (such as structural, functional, and spatial information, amino acid conservation, physicochemical variation, residue mobility, and thermodynamic stability) indicates that this missense variant is not expected to disrupt RYR1 protein function with a negative predictive value of 80%. In summary, the available evidence is currently insufficient to determine the role of this variant in disease. Therefore, it has been classified as a Variant of Uncertain Significance.